The following is an entry in ClinVar:

NM_000548.5(TSC2):c.4070T>C (p.Ile1357Thr)

Gene: TSC2 (TSC complex subunit 2; plus strand). Cytogenetic location: 16p13.3.
Variant type: single nucleotide variant.
Coding change: c.4070T>C on transcript NM_000548.5 (MANE Select); coding-DNA position 4070, T replaced by C.
Protein change: p.Ile1357Thr; replaces isoleucine 1357 with threonine.
Molecular consequence: missense variant.
Genome position (GRCh38, 1-based): chr16:2,084,292, T>C. VCF-style: chr16-2084292-T-C. GRCh37 (hg19) VCF-style: chr16-2134293-T-C.
Other names: c.3869T>C, p.Ile1290Thr (NM_001077183.3); c.4001T>C, p.Ile1334Thr (NM_001114382.3); c.3761T>C, p.Ile1254Thr (NM_001318827.2); c.3725T>C, p.Ile1242Thr (NM_001318829.2); c.3338T>C, p.Ile1113Thr (NM_001318831.2); c.3902T>C, p.Ile1301Thr (NM_001318832.2); c.3872T>C, p.Ile1291Thr (NM_001363528.2); c.3938T>C, p.Ile1313Thr (NM_001370404.1); and 1 more; short protein forms I1357T, I1242T, I1290T, I1291T, I1334T, I1113T, I1301T, I1313T.
Identifiers: ClinVar variation 468062 (VCV000468062.18), dbSNP rs878854103, ClinGen allele CA394299398.

ClinVar aggregate classification (germline): Uncertain significance. Review status: criteria provided, multiple submitters, no conflicts (2 of 4 stars). 8 submissions from 8 submitters: Uncertain significance (8). Last evaluated 2025-08-30.

Conditions:
Tuberous sclerosis 2 (TSC2). Identifiers: Orphanet 805, MedGen C1860707, MONDO:0013199, OMIM 613254.
Lymphangiomyomatosis (LAM). Also called: Lymphangioleiomyomatosis; Lymphangioleiomyomatosis, somatic. Identifiers: Orphanet 538, MedGen C0751674, MONDO:0011705, OMIM 606690.
Isolated focal cortical dysplasia type II (FCORD2). Also called: Focal cortical dysplasia type II; CORTICAL DYSPLASIA OF TAYLOR. Identifiers: Orphanet 268994, MedGen C1846385, MONDO:0011818, OMIM 607341, HP:0032051.
Hereditary cancer-predisposing syndrome. Also called: Neoplastic Syndromes, Hereditary; Tumor predisposition; Hereditary neoplastic syndrome; Hereditary Cancer Syndrome. Identifiers: Orphanet 140162, MedGen C0027672, MeSH D009386, MONDO:0015356.
Tuberous sclerosis syndrome (TSC). Also called: Tuberous Sclerosis Complex; Tuberous sclerosis. Identifiers: Orphanet 805, MedGen C0041341, MONDO:0001734.

Allele frequency attached by ClinVar (database versions not stated): TOPMed below 0.00001.

Submissions (8):

Color Diagnostics, LLC DBA Color Health
Classification: Uncertain significance for Tuberous sclerosis syndrome. Last evaluated: 2025-08-30. Review status: criteria provided, single submitter. Criteria: ACMG Guidelines, 2015. Collection method: clinical testing. Allele origin: germline.
Comment: This missense variant replaces isoleucine with threonine at codon 1357 of the TSC2 protein. Computational prediction is inconclusive regarding the impact of this variant on protein structure and function. To our knowledge, functional studies have not been reported for this variant. This variant has not been reported in individuals affected with TSC2-related disorders in the literature. This variant has not been identified in the general population by the Genome Aggregation Database (gnomAD). The available evidence is insufficient to determine the role of this variant in disease conclusively. Therefore, this variant is classified as a Variant of Uncertain Significance.

Labcorp Genetics (formerly Invitae), Labcorp
Classification: Uncertain significance for Tuberous sclerosis 2. Last evaluated: 2025-05-26. Review status: criteria provided, single submitter. Criteria: Invitae Variant Classification Sherloc (09022015). Collection method: clinical testing. Allele origin: germline.
Comment: This sequence change replaces isoleucine, which is neutral and non-polar, with threonine, which is neutral and polar, at codon 1357 of the TSC2 protein (p.Ile1357Thr). This variant is not present in population databases (gnomAD no frequency). This variant has not been reported in the literature in individuals affected with TSC2-related conditions. ClinVar contains an entry for this variant (Variation ID: 468062). Invitae Evidence Modeling of protein sequence and biophysical properties (such as structural, functional, and spatial information, amino acid conservation, physicochemical variation, residue mobility, and thermodynamic stability) indicates that this missense variant is not expected to disrupt TSC2 protein function with a negative predictive value of 95%. In summary, the available evidence is currently insufficient to determine the role of this variant in disease. Therefore, it has been classified as a Variant of Uncertain Significance.

GeneDx
Classification: Uncertain significance. Last evaluated: 2024-07-23. Review status: criteria provided, single submitter. Criteria: GeneDx Variant Classification Process June 2021. Collection method: clinical testing. Allele origin: germline.
Comment: Not observed at significant frequency in large population cohorts (gnomAD); In silico analysis indicates that this missense variant does not alter protein structure/function; Has not been previously published as pathogenic or benign to our knowledge

Ambry Genetics
Classification: Uncertain significance for Hereditary cancer-predisposing syndrome. Last evaluated: 2024-06-28. Review status: criteria provided, single submitter. Criteria: Ambry Variant Classification Scheme 2023. Collection method: clinical testing. Allele origin: germline.
Comment: The p.I1357T variant (also known as c.4070T>C), located in coding exon 33 of the TSC2 gene, results from a T to C substitution at nucleotide position 4070. The isoleucine at codon 1357 is replaced by threonine, an amino acid with similar properties. This amino acid position is well conserved. In addition, this alteration is predicted to be deleterious by in silico analysis. Since supporting evidence is limited at this time, the clinical significance of this alteration remains unclear.

Fulgent Genetics
Classification: Uncertain significance for Lymphangiomyomatosis; Isolated focal cortical dysplasia type II; Tuberous sclerosis 2. Last evaluated: 2024-05-13. Review status: criteria provided, single submitter. Criteria: ACMG Guidelines, 2015. Collection method: clinical testing. Allele origin: germline.

All of Us Research Program, National Institutes of Health
Classification: Uncertain significance for Tuberous sclerosis syndrome. Last evaluated: 2023-09-05. Review status: criteria provided, single submitter. Criteria: ACMG Guidelines, 2015. Collection method: clinical testing. Allele origin: germline. Inheritance: Autosomal dominant inheritance. Observed: 2 variant alleles, 2 heterozygotes.
Comment: This missense variant replaces isoleucine with threonine at codon 1357 of the TSC2 protein. Computational prediction is inconclusive regarding the impact of this variant on protein structure and function (internally defined REVEL score threshold 0.5 < inconclusive < 0.7, PMID: 27666373). To our knowledge, functional studies have not been reported for this variant. This variant has not been reported in individuals affected with TSC2-related disorders in the literature. This variant has not been identified in the general population by the Genome Aggregation Database (gnomAD). The available evidence is insufficient to determine the role of this variant in disease conclusively. Therefore, this variant is classified as a Variant of Uncertain Significance.

This study involves interpretation of variants in research participants for the purpose of population health screening. Participant phenotype was not available at the time of variant classification. Additional details can be found in publication PMID: 35346344, PMCID: PMC8962531

Baylor Genetics
Classification: Uncertain significance for Isolated focal cortical dysplasia type II. Last evaluated: 2023-08-20. Review status: criteria provided, single submitter. Criteria: ACMG Guidelines, 2015. Collection method: clinical testing. Allele origin: unknown.

Sema4
Classification: Uncertain significance for Hereditary cancer-predisposing syndrome. Last evaluated: 2021-06-16. Review status: criteria provided, single submitter. Criteria: Sema4 Curation Guidelines. Collection method: curation. Allele origin: germline.
Comment: The TSC2 c.4070T>C (p.I1357T) variant has not been reported in the literature to our knowledge. It was not observed in the large and broad cohorts of the Genome Aggregation Database (PMID: 32461654). The variant has been reported in ClinVar (Variation ID 468062). In silico tools suggest the impact of the variant on protein function is inconclusive, though these predictions have not been confirmed by functional studies. The evidence is insufficient to meet ACMG/AMP criteria for classifying the variant as benign or pathogenic. Thus, the clinical significance of this variant is currently uncertain.